The following is an entry in ClinVar:

ClinVar aggregate classification (germline): Uncertain significance (1 of 4 stars; one submission).

Conditions:
Long QT syndrome 1 (LQT1). Identifiers: Orphanet 101016, Orphanet 768, MedGen C4551647, MONDO:0100316, OMIM 192500, MONDO:0008646.

Submission:

Labcorp Genetics (formerly Invitae), Labcorp
Classification: Uncertain significance for Long QT syndrome 1. Last evaluated: 2022-10-24. Review status: criteria provided, single submitter. Criteria: Invitae Variant Classification Sherloc (09022015). Collection method: clinical testing. Allele origin: germline.
Comment: A copy number gain of the genomic region encompassing the full coding sequence of the CALM2 gene has been identified. The boundaries of this event are unknown as they extend beyond the assayed region for this gene and therefore may encompass additional genes. As the precise location of this event is unknown, it may be in tandem or it may be located elsewhere in the genome. This variant has not been reported in the literature in individuals affected with CALM2-related conditions. In summary, the available evidence is currently insufficient to determine the role of this variant in disease. Therefore, it has been classified as a Variant of Uncertain Significance.

NC_000002.11:g.(?_47387915)_(47403582_?)dup

Gene: CALM2 (calmodulin 2; minus strand). Cytogenetic location: 2p21.
Variant type: Duplication.
Identifiers: ClinVar variation 1410477 (VCV001410477.4).